The following is an entry in ClinVar:

ClinVar aggregate classification (germline): Benign/Likely benign. Review status: criteria provided, multiple submitters, no conflicts (2 of 4 stars). 13 submissions from 10 submitters: Benign (6); Likely benign (7). Last evaluated 2026-09-01.

Conditions:
Nephrolithiasis/nephrocalcinosis. Identifiers: MedGen CN580796.
Autosomal dominant hypocalcemia 1 (HYPOC1). Also called: HYPOCALCEMIA, FAMILIAL. Identifiers: MedGen C3715128, MONDO:0011013, OMIM 601198.
Familial hypocalciuric hypercalcemia (FHH). Also called: Familial benign hypercalcemia. Identifiers: Orphanet 405, MedGen C1809471, MONDO:0018458.
Familial hypocalciuric hypercalcemia 1. Also called: Hypercalcemia, familial benign type 1. Identifiers: Orphanet 405, Orphanet 93372, MedGen C0342637, MONDO:0007791, OMIM 145980.
Neonatal severe primary hyperparathyroidism. Identifiers: Orphanet 417, MedGen C1832615, MONDO:0009397, OMIM 239200.
Familial hypoparathyroidism. Also called: Familial isolated hypoparathyroidism. Identifiers: Orphanet 2238, MedGen C1832648, MONDO:0016390.

Allele frequency attached by ClinVar (database versions not stated): 1000 Genomes Project 30x 0.00031; 1000 Genomes Project 0.00040; gnomAD exomes 0.00047 and 0.00228; gnomAD 0.00066 and 0.00073; TOPMed 0.00126; ExAC 0.00180.
gnomAD v4.1: 786 of 1,614,048 alleles (0.049%); highest among the groups gnomAD compares: Admixed American, 1.2%; 5 homozygotes.

Submissions (13):

CeGaT Center for Human Genetics Tuebingen
Classification: Likely benign. Last evaluated: 2026-09-01. Review status: criteria provided, single submitter. Criteria: CeGaT Center For Human Genetics Tuebingen Variant Classification Criteria Version 2. Collection method: clinical testing. Allele origin: germline. Affected: yes. Observed: 2 variant alleles.
Comment: CASR: BS1

Labcorp Genetics (formerly Invitae), Labcorp
Classification: Benign for Familial hypocalciuric hypercalcemia; Autosomal dominant hypocalcemia 1. Last evaluated: 2026-02-04. Review status: criteria provided, single submitter. Criteria: Invitae Variant Classification Sherloc (09022015). Collection method: clinical testing. Allele origin: germline.

Athena Diagnostics
Classification: Benign. Last evaluated: 2024-10-21. Review status: criteria provided, single submitter. Criteria: Athena Diagnostics Criteria. Collection method: clinical testing. Allele origin: unknown.

ARUP Laboratories, Molecular Genetics and Genomics, ARUP Laboratories
Classification: Likely benign. Last evaluated: 2023-08-30. Review status: criteria provided, single submitter. Criteria: ARUP Molecular Germline Variant Investigation Process 2024. Collection method: clinical testing. Allele origin: germline.

GeneDx
Classification: Likely benign. Last evaluated: 2021-02-26. Review status: criteria provided, single submitter. Criteria: GeneDx Variant Classification Process June 2021. Collection method: clinical testing. Allele origin: germline. Affected: yes.
Comment: This variant is associated with the following publications: (PMID: 27264265)

Ambry Genetics
Classification: Benign for Nephrolithiasis/nephrocalcinosis. Last evaluated: 2019-04-24. Review status: criteria provided, single submitter. Criteria: Ambry Variant Classification Scheme 2023. Collection method: clinical testing. Allele origin: germline.

Illumina Laboratory Services, Illumina
Classification: Benign for Neonatal severe primary hyperparathyroidism. Last evaluated: 2018-01-13. Review status: criteria provided, single submitter. Criteria: ICSL Variant Classification Criteria 13 December 2019. Collection method: clinical testing. Allele origin: germline.
Comment: This variant was observed in the ICSL laboratory as part of a predisposition screen in an ostensibly healthy population. It had not been previously curated by ICSL or reported in the Human Gene Mutation Database (HGMD: prior to June 1st, 2018), and was therefore a candidate for classification through an automated scoring system. Utilizing variant allele frequency, disease prevalence and penetrance estimates, and inheritance mode, an automated score was calculated to assess if this variant is too frequent to cause the disease. Based on the score and internal cut-off values, a variant classified as benign is not then subjected to further curation. The score for this variant resulted in a classification of benign for this disease.

Illumina Laboratory Services, Illumina
Classification: Likely benign for Familial hypocalciuric hypercalcemia 1. Last evaluated: 2018-01-13. Review status: criteria provided, single submitter. Criteria: ICSL Variant Classification Criteria 13 December 2019. Collection method: clinical testing. Allele origin: germline.
Comment: This variant was observed in the ICSL laboratory as part of a predisposition screen in an ostensibly healthy population. It had not been previously curated by ICSL or reported in the Human Gene Mutation Database (HGMD: prior to June 1st, 2018), and was therefore a candidate for classification through an automated scoring system. Utilizing variant allele frequency, disease prevalence and penetrance estimates, and inheritance mode, an automated score was calculated to assess if this variant is too frequent to cause the disease. Based on the score and internal cut-off values, a variant classified as likely benign is not then subjected to further curation. The score for this variant resulted in a classification of likely benign for this disease.

Illumina Laboratory Services, Illumina
Classification: Benign for Familial isolated hypoparathyroidism. Last evaluated: 2018-01-13. Review status: criteria provided, single submitter. Criteria: ICSL Variant Classification Criteria 13 December 2019. Collection method: clinical testing. Allele origin: germline.
Comment: the same text as in the submission from Illumina Laboratory Services, Illumina above.

Illumina Laboratory Services, Illumina
Classification: Likely benign for Autosomal dominant hypocalcemia 1. Last evaluated: 2018-01-13. Review status: criteria provided, single submitter. Criteria: ICSL Variant Classification Criteria 13 December 2019. Collection method: clinical testing. Allele origin: germline.
Comment: the same text as in the submission from Illumina Laboratory Services, Illumina above.

Eurofins Ntd Llc (ga)
Classification: Benign. Last evaluated: 2015-10-30. Review status: criteria provided, single submitter. Criteria: EGL Classification Definitions 2015. Collection method: clinical testing. Allele origin: germline. Observed: 1 variant allele, 1 heterozygote.

Breakthrough Genomics
Classification: Likely benign. Review status: criteria provided, single submitter. Criteria: ACMG Guidelines, 2015. Collection method: not provided. Allele origin: germline. Inheritance: Autosomal recessive inheritance. Affected: yes.

PreventionGenetics, part of Exact Sciences
Classification: Likely benign. Review status: criteria provided, single submitter. Criteria: ACMG Guidelines, 2015. Collection method: clinical testing. Allele origin: germline.

NM_000388.4(CASR):c.1285C>T (p.His429Tyr)

Gene: CASR (calcium sensing receptor; plus strand). Cytogenetic location: 3q21.1.
Variant type: single nucleotide variant.
Coding change: c.1285C>T on transcript NM_000388.4 (MANE Select); coding-DNA position 1285, C replaced by T.
Protein change: p.His429Tyr; replaces histidine 429 with tyrosine.
Molecular consequence: missense variant.
Genome position (GRCh38, 1-based): chr3:122,262,320, C>T. VCF-style: chr3-122262320-C-T. GRCh37 (hg19) VCF-style: chr3-121981167-C-T.
Other names: c.1285C>T, p.His429Tyr (NM_001178065.2); short protein forms H429Y.
Identifiers: ClinVar variation 237756 (VCV000237756.31), dbSNP rs142818334, ClinGen allele CA2569617.